The following is an entry in ClinVar:

NM_007055.4(POLR3A):c.2794T>C (p.Phe932Leu)

Gene: POLR3A (RNA polymerase III subunit A; minus strand). Cytogenetic location: 10q22.3.
Variant type: single nucleotide variant.
Coding change: c.2794T>C on transcript NM_007055.4 (MANE Select); coding-DNA position 2794, T replaced by C.
Protein change: p.Phe932Leu; replaces phenylalanine 932 with leucine.
Molecular consequence: missense variant.
Genome position (GRCh38, 1-based): chr10:77,991,161, A>G on the plus strand (T>C on the coding strand, the complement: POLR3A is on the minus strand). VCF-style: chr10-77991161-A-G. GRCh37 (hg19) VCF-style: chr10-79750919-A-G.
Other names: short protein forms F932L.
Identifiers: ClinVar variation 1369158 (VCV001369158.4), dbSNP rs1282908788, ClinGen allele CA377333444.
Genomic context (GRCh38, chr10:77,991,161, plus strand): 5'-TGGACTCTGTGGTCAGGATCAGCTCGTTTTTGCTGAGAGCAGGCTCACTGGGACACGGGA[A>G]GACTGCCTTGAGTATTAAAAGAAAATTGCATTATGTGTGGGTGCCACAGAGAGCAGGCGG-3'
Protein context (NP_008986.2, residues 922-942): KRVLDNIKAV[Phe932Leu]PCPSEPALSK

ClinVar aggregate classification (germline): Uncertain significance (1 of 4 stars; one submission).

Allele frequency attached by ClinVar (database versions not stated): gnomAD exomes 0.00001 and 0.00003; TOPMed 0.00002; gnomAD 0.00004.
gnomAD v4.1: 55 of 1,602,992 alleles (0.0034%); highest among the groups gnomAD compares: Non-Finnish European, 0.0045%; no homozygotes.

Submission:

Labcorp Genetics (formerly Invitae), Labcorp
Classification: Uncertain significance. Last evaluated: 2022-02-25. Review status: criteria provided, single submitter. Criteria: Invitae Variant Classification Sherloc (09022015). Collection method: clinical testing. Allele origin: germline.
Comment: In summary, the available evidence is currently insufficient to determine the role of this variant in disease. Therefore, it has been classified as a Variant of Uncertain Significance. Algorithms developed to predict the effect of missense changes on protein structure and function (SIFT, PolyPhen-2, Align-GVGD) all suggest that this variant is likely to be tolerated. This variant has not been reported in the literature in individuals affected with POLR3A-related conditions. This variant is present in population databases (no rsID available, gnomAD 0.004%). This sequence change replaces phenylalanine, which is neutral and non-polar, with leucine, which is neutral and non-polar, at codon 932 of the POLR3A protein (p.Phe932Leu).